The following is an entry in ClinVar:

ClinVar aggregate classification (germline): Conflicting classifications of pathogenicity. Review status: criteria provided, conflicting classifications (1 of 4 stars). 3 submissions from 3 submitters: Uncertain significance (2); Likely benign (1). Last evaluated 2025-12-13.

Conditions:
Inborn genetic diseases. Identifiers: MedGen C0950123, MeSH D030342.

Allele frequency attached by ClinVar (database versions not stated): gnomAD 0.00001; gnomAD exomes 0.00001 and 0.00002; ExAC 0.00002; TOPMed 0.00003; ESP Exome Variant Server 0.00008.
gnomAD v4.1: 10 of 1,613,718 alleles (0.00062%); highest among the groups gnomAD compares: Middle Eastern, 0.016%; 1 homozygote.

Submissions (3):

Labcorp Genetics (formerly Invitae), Labcorp
Classification: Likely benign. Last evaluated: 2025-12-13. Review status: criteria provided, single submitter. Criteria: Invitae Variant Classification Sherloc (09022015). Collection method: clinical testing. Allele origin: germline.

Ambry Genetics
Classification: Uncertain significance for Inborn genetic diseases. Last evaluated: 2025-04-30. Review status: criteria provided, single submitter. Criteria: Ambry Variant Classification Scheme 2023. Collection method: clinical testing. Allele origin: germline.

GeneDx
Classification: Uncertain significance. Last evaluated: 2021-06-23. Review status: criteria provided, single submitter. Criteria: GeneDx Variant Classification Process June 2021. Collection method: clinical testing. Allele origin: germline. Affected: yes.
Comment: In silico analysis supports that this missense variant has a deleterious effect on protein structure/function; Has not been previously published as pathogenic or benign to our knowledge; This variant is associated with the following publications: (PMID: 27535533)

NM_052867.4(NALCN):c.4466G>A (p.Arg1489His)

Gene: NALCN (sodium leak channel, non-selective; minus strand). Cytogenetic location: 13q32.3.
Variant type: single nucleotide variant.
Coding change: c.4466G>A on transcript NM_052867.4 (MANE Select); coding-DNA position 4466, G replaced by A.
Protein change: p.Arg1489His; replaces arginine 1489 with histidine.
Molecular consequence: missense variant.
Genome position (GRCh38, 1-based): chr13:101,065,542, C>T on the plus strand (G>A on the coding strand, the complement: NALCN is on the minus strand). VCF-style: chr13-101065542-C-T. GRCh37 (hg19) VCF-style: chr13-101717894-C-T.
Other names: c.4553G>A, p.Arg1518His (NM_001350748.2); c.4466G>A, p.Arg1489His (NM_001350749.2); c.4379G>A, p.Arg1460His (NM_001350750.2, NM_001350751.2); short protein forms R1460H, R1489H, R1518H.
Identifiers: ClinVar variation 1329526 (VCV001329526.7), dbSNP rs149644813, ClinGen allele CA7035104.